The following is an entry in ClinVar:

ClinVar aggregate classification (germline): Uncertain significance (1 of 4 stars; one submission).

Conditions:
Hereditary cancer-predisposing syndrome. Also called: Neoplastic Syndromes, Hereditary; Tumor predisposition; Hereditary neoplastic syndrome; Hereditary Cancer Syndrome. Identifiers: Orphanet 140162, MedGen C0027672, MeSH D009386, MONDO:0015356.

Submission:

Ambry Genetics
Classification: Uncertain significance for Hereditary cancer-predisposing syndrome. Last evaluated: 2026-07-06. Review status: criteria provided, single submitter. Criteria: Ambry Variant Classification Scheme 2023. Collection method: clinical testing. Allele origin: germline.
Comment: The p.R751L variant (also known as c.2252G>T), located in coding exon 11 of the BARD1 gene, results from a G to T substitution at nucleotide position 2252. The arginine at codon 751 is replaced by leucine, an amino acid with dissimilar properties. This amino acid position is conserved. In addition, the in silico prediction for this alteration is inconclusive. Based on the available evidence, the clinical significance of this variant remains unclear.

NM_000465.4(BARD1):c.2252G>T (p.Arg751Leu)

Gene: BARD1 (BRCA1 associated RING domain 1; minus strand). Cytogenetic location: 2q35.
Variant type: single nucleotide variant.
Coding change: c.2252G>T on transcript NM_000465.4 (MANE Select); coding-DNA position 2252, G replaced by T.
Protein change: p.Arg751Leu; replaces arginine 751 with leucine.
Molecular consequence: missense variant. On other transcripts: non-coding transcript variant (3).
Genome position (GRCh38, 1-based): chr2:214,728,758, C>A on the plus strand (G>T on the coding strand, the complement: BARD1 is on the minus strand). VCF-style: chr2-214728758-C-A. GRCh37 (hg19) VCF-style: chr2-215593482-C-A.
Other names: c.2195G>T, p.Arg732Leu (NM_001282543.2); c.899G>T, p.Arg300Leu (NM_001282545.2); c.842G>T, p.Arg281Leu (NM_001282548.2); c.713G>T, p.Arg238Leu (NM_001282549.2); short protein forms R732L, R751L, R238L, R281L, R300L.
Identifiers: ClinVar variation 5032787 (VCV005032787.1).